The following is an entry in ClinVar:

NM_000071.3(CBS):c.1575T>C (p.Ser525=)

Gene: CBS (cystathionine beta-synthase; minus strand). Cytogenetic location: 21q22.3.
Variant type: single nucleotide variant.
Coding change: c.1575T>C on transcript NM_000071.3 (MANE Select); coding-DNA position 1575, T replaced by C.
Protein change: p.Ser525=; no amino-acid change (serine 525 retained).
Molecular consequence: synonymous variant.
Genome position (GRCh38, 1-based): chr21:43,053,961, A>G on the plus strand (T>C on the coding strand, the complement: CBS is on the minus strand). VCF-style: chr21-43053961-A-G. GRCh37 (hg19) VCF-style: chr21-44474071-A-G.
Other names: p.Ser525=; c.1575T>C, p.Ser525= (NM_001178008.3, NM_001178009.3, NM_001320298.2); c.1260T>C, p.Ser420= (NM_001321072.1).
Identifiers: ClinVar variation 413352 (VCV000413352.23), dbSNP rs150037641, ClinGen allele CA16616272.

ClinVar aggregate classification (germline): Likely benign. Review status: criteria provided, multiple submitters, no conflicts (2 of 4 stars). 7 submissions from 7 submitters: Likely benign (7). Last evaluated 2026-02-01.

Conditions:
CBS-related disorder. Also called: CBS-related condition.
HYPERHOMOCYSTEINEMIA, THROMBOTIC, CBS-RELATED. Identifiers: MedGen C3150344, OMIM 236200.
Familial thoracic aortic aneurysm and aortic dissection (TAAD). Also called: Thoracic aortic aneurysms and dissections. Identifiers: Orphanet 91387, MedGen C4707243, MONDO:0019625.

Allele frequency attached by ClinVar (database versions not stated): gnomAD 0.00010; ESP Exome Variant Server 0.00015; 1000 Genomes Project 0.00020; gnomAD exomes 0.00020; ExAC 0.00033.

Submissions (7):

Labcorp Genetics (formerly Invitae), Labcorp
Classification: Likely benign for HYPERHOMOCYSTEINEMIA, THROMBOTIC, CBS-RELATED. Last evaluated: 2026-02-01. Review status: criteria provided, single submitter. Criteria: Invitae Variant Classification Sherloc (09022015). Collection method: clinical testing. Allele origin: germline.

Mayo Clinic Laboratories, Mayo Clinic
Classification: Likely benign. Last evaluated: 2025-10-12. Review status: criteria provided, single submitter. Criteria: ACMG Guidelines, 2015. Collection method: clinical testing. Allele origin: germline. Observed: 1 variant allele.
Comment: BP4, BP7

PreventionGenetics, part of Exact Sciences
Classification: Likely benign for CBS-related condition. Last evaluated: 2025-06-16. Review status: criteria provided, single submitter. Criteria: ACMG Guidelines, 2015. Collection method: clinical testing. Allele origin: germline.
Comment: This variant is classified as likely benign based on ACMG/AMP sequence variant interpretation guidelines (Richards et al. 2015 PMID: 25741868, with internal and published modifications).

ARUP Laboratories, Molecular Genetics and Genomics, ARUP Laboratories
Classification: Likely benign. Last evaluated: 2025-04-28. Review status: criteria provided, single submitter. Criteria: ARUP Molecular Germline Variant Investigation Process 2024. Collection method: clinical testing. Allele origin: germline.

Blueprint Genetics
Classification: Likely benign. Last evaluated: 2024-05-09. Review status: criteria provided, single submitter. Criteria: ACMG Guidelines, 2015. Collection method: clinical testing. Allele origin: germline.

GeneDx
Classification: Likely benign. Last evaluated: 2021-04-09. Review status: criteria provided, single submitter. Criteria: GeneDx Variant Classification Process June 2021. Collection method: clinical testing. Allele origin: germline. Affected: yes.

Ambry Genetics
Classification: Likely benign for Familial thoracic aortic aneurysm and aortic dissection. Last evaluated: 2016-05-03. Review status: criteria provided, single submitter. Criteria: Ambry Variant Classification Scheme 2023. Collection method: clinical testing. Allele origin: germline.